The following is an entry in ClinVar:

NM_025179.4(PLXNA2):c.4610A>G (p.Tyr1537Cys)

Gene: PLXNA2 (plexin A2; minus strand). Cytogenetic location: 1q32.2.
Variant type: single nucleotide variant.
Coding change: c.4610A>G on transcript NM_025179.4 (MANE Select); coding-DNA position 4610, A replaced by G.
Protein change: p.Tyr1537Cys; replaces tyrosine 1537 with cysteine.
Molecular consequence: missense variant.
Genome position (GRCh38, 1-based): chr1:208,038,875, T>C on the plus strand (A>G on the coding strand, the complement: PLXNA2 is on the minus strand). VCF-style: chr1-208038875-T-C. GRCh37 (hg19) VCF-style: chr1-208212220-T-C.
Other names: short protein forms Y1537C.
Identifiers: ClinVar variation 1923961 (VCV001923961.5), dbSNP rs1233171503, ClinGen allele CA344561588.

ClinVar aggregate classification (germline): Uncertain significance (1 of 4 stars; one submission).

Allele frequency attached by ClinVar (database versions not stated): gnomAD exomes below 0.00001; TOPMed 0.00001.
gnomAD v4.1: 5 of 1,614,112 alleles (0.00031%); highest among the groups gnomAD compares: South Asian, 0.0011%; no homozygotes.

Submission:

Labcorp Genetics (formerly Invitae), Labcorp
Classification: Uncertain significance. Last evaluated: 2024-04-29. Review status: criteria provided, single submitter. Criteria: Invitae Variant Classification Sherloc (09022015). Collection method: clinical testing. Allele origin: germline.
Comment: This sequence change replaces tyrosine, which is neutral and polar, with cysteine, which is neutral and slightly polar, at codon 1537 of the PLXNA2 protein (p.Tyr1537Cys). This variant is present in population databases (no rsID available, gnomAD 0.002%). This variant has not been reported in the literature in individuals affected with PLXNA2-related conditions. ClinVar contains an entry for this variant (Variation ID: 1923961). Advanced modeling of protein sequence and biophysical properties (such as structural, functional, and spatial information, amino acid conservation, physicochemical variation, residue mobility, and thermodynamic stability) performed at Invitae indicates that this missense variant is not expected to disrupt PLXNA2 protein function with a negative predictive value of 80%. Algorithms developed to predict the effect of sequence changes on RNA splicing suggest that this variant may create or strengthen a splice site. In summary, the available evidence is currently insufficient to determine the role of this variant in disease. Therefore, it has been classified as a Variant of Uncertain Significance.